The following is an entry in ClinVar:

ClinVar aggregate classification (germline): Uncertain significance (1 of 4 stars; one submission).

Submission:

Labcorp Genetics (formerly Invitae), Labcorp
Classification: Uncertain significance. Last evaluated: 2022-08-23. Review status: criteria provided, single submitter. Criteria: Invitae Variant Classification Sherloc (09022015). Collection method: clinical testing. Allele origin: germline.
Comment: ClinVar contains an entry for this variant (Variation ID: 1489419). Algorithms developed to predict the effect of missense changes on protein structure and function output the following: SIFT: "Tolerated"; PolyPhen-2: "Benign"; Align-GVGD: "Class C0". The aspartic acid amino acid residue is found in multiple mammalian species, which suggests that this missense change does not adversely affect protein function. Algorithms developed to predict the effect of sequence changes on RNA splicing suggest that this variant may create or strengthen a splice site. In summary, the available evidence is currently insufficient to determine the role of this variant in disease. Therefore, it has been classified as a Variant of Uncertain Significance. This sequence change replaces asparagine, which is neutral and polar, with aspartic acid, which is acidic and polar, at codon 475 of the GUCY2C protein (p.Asn475Asp). This variant is not present in population databases (gnomAD no frequency). This variant has not been reported in the literature in individuals affected with GUCY2C-related conditions.

NM_004963.4(GUCY2C):c.1423A>G (p.Asn475Asp)

Gene: GUCY2C (guanylate cyclase 2C; minus strand). Cytogenetic location: 12p12.3.
Variant type: single nucleotide variant.
Coding change: c.1423A>G on transcript NM_004963.4 (MANE Select); coding-DNA position 1423, A replaced by G.
Protein change: p.Asn475Asp; replaces asparagine 475 with aspartic acid.
Molecular consequence: missense variant.
Genome position (GRCh38, 1-based): chr12:14,656,559, T>C on the plus strand (A>G on the coding strand, the complement: GUCY2C is on the minus strand). VCF-style: chr12-14656559-T-C. GRCh37 (hg19) VCF-style: chr12-14809493-T-C.
Other names: short protein forms N475D.
Identifiers: ClinVar variation 1489419 (VCV001489419.8), dbSNP rs2137046769, ClinGen allele CA383991772.